The following is an entry in ClinVar:

ClinVar aggregate classification (germline): Uncertain significance (1 of 4 stars; one submission).

Submission:

GeneDx
Classification: Uncertain significance. Last evaluated: 2022-10-12. Review status: criteria provided, single submitter. Criteria: GeneDx Variant Classification Process June 2021. Collection method: clinical testing. Allele origin: germline. Affected: yes.
Comment: Not observed at significant frequency in large population cohorts (gnomAD); In silico analysis supports that this missense variant has a deleterious effect on protein structure/function; Has not been previously published as pathogenic or benign to our knowledge

NM_006618.5(KDM5B):c.1463A>G (p.Tyr488Cys)

Gene: KDM5B (lysine demethylase 5B; minus strand). Cytogenetic location: 1q32.1.
Variant type: single nucleotide variant.
Coding change: c.1463A>G on transcript NM_006618.5 (MANE Select); coding-DNA position 1463, A replaced by G.
Protein change: p.Tyr488Cys; replaces tyrosine 488 with cysteine.
Molecular consequence: missense variant.
Genome position (GRCh38, 1-based): chr1:202,755,346, T>C on the plus strand (A>G on the coding strand, the complement: KDM5B is on the minus strand). VCF-style: chr1-202755346-T-C. GRCh37 (hg19) VCF-style: chr1-202724474-T-C.
Other names: c.1571A>G, p.Tyr524Cys (NM_001314042.2); c.1328A>G, p.Tyr443Cys (NM_001347591.2); c.1448A>G, p.Tyr483Cys (NM_001399817.1); short protein forms Y443C, Y483C, Y488C, Y524C.
Identifiers: ClinVar variation 2499173 (VCV002499173.1), dbSNP rs771197229, ClinGen allele CA35592328.
Genomic context (GRCh38, chr1:202,755,346, plus strand): 5'-ATTGAATAGCTCCAGTGGTCTTCAATGTGCCAACAGAATGAAGAAAAGCACATTCCCACA[T>C]ACAACCAAGGAAGTTTCATGCCACATATATCAGCAGTAATATGTGCAAGGACAGACTGCT-3'
Protein context (NP_006609.3, residues 478-498): DICGMKLPWL[Tyr488Cys]VGMCFSSFCW